The following is an entry in ClinVar:

NM_001366385.1(CARD14):c.1659-10C>T

Gene: CARD14 (caspase recruitment domain family member 14; plus strand). Cytogenetic location: 17q25.3.
Variant type: single nucleotide variant.
Coding change: c.1659-10C>T on transcript NM_001366385.1 (MANE Select); 10 bases into the intron before coding-DNA position 1659, C replaced by T.
Molecular consequence: intron variant.
Genome position (GRCh38, 1-based): chr17:80,198,389, C>T. VCF-style: chr17-80198389-C-T. GRCh37 (hg19) VCF-style: chr17-78172188-C-T.
Other names: c.1659-10C>T (NM_024110.4, NM_001257970.1); c.948-10C>T (NM_052819.3).
Identifiers: ClinVar variation 527874 (VCV000527874.13), dbSNP rs773622446, ClinGen allele CA8816936.

ClinVar aggregate classification (germline): Likely benign. Review status: criteria provided, single submitter (1 of 4 stars). 2 submissions from 2 submitters: Likely benign (1). 1 of the submissions does not count toward it. Last evaluated 2026-01-19.

Conditions:
Pityriasis rubra pilaris (PRP). Also called: Pityriasis rubra pilaris--familial type. Identifiers: Orphanet 2897, MedGen C0032027, MONDO:0100017, OMIM 173200, MONDO:0008251.
Psoriasis 2. Identifiers: MedGen C1864497, MONDO:0011269, OMIM 602723.
CARD14-related disorder. Also called: CARD14-related condition.

Allele frequency attached by ClinVar (database versions not stated): gnomAD exomes 0.00004 and 0.00005; ExAC 0.00005; gnomAD 0.00007; TOPMed 0.00009; 1000 Genomes Project 30x 0.00016.
gnomAD v4.1: 83 of 1,591,542 alleles (0.0052%); highest among the groups gnomAD compares: African/African-American, 0.015%; no homozygotes.

Submissions (2):

Labcorp Genetics (formerly Invitae), Labcorp
Classification: Likely benign for Pityriasis rubra pilaris; Psoriasis 2. Last evaluated: 2026-01-19. Review status: criteria provided, single submitter. Criteria: Invitae Variant Classification Sherloc (09022015). Collection method: clinical testing. Allele origin: germline.

PreventionGenetics, part of Exact Sciences
Classification: Likely benign for CARD14-related condition. Last evaluated: 2022-07-28. Review status: no assertion criteria provided. Collection method: clinical testing. Allele origin: germline. Not counted in ClinVar's aggregate classification.
Comment: This variant is classified as likely benign based on ACMG/AMP sequence variant interpretation guidelines (Richards et al. 2015 PMID: 25741868, with internal and published modifications).